The following is an entry in ClinVar:

ClinVar aggregate classification (germline): Uncertain significance. Review status: criteria provided, multiple submitters, no conflicts (2 of 4 stars). 2 submissions from 2 submitters: Uncertain significance (2). Last evaluated 2025-05-21.

Conditions:
Inborn genetic diseases. Identifiers: MedGen C0950123, MeSH D030342.

Submissions (2):

Ambry Genetics
Classification: Uncertain significance for Inborn genetic diseases. Last evaluated: 2025-05-21. Review status: criteria provided, single submitter. Criteria: Ambry Variant Classification Scheme 2023. Collection method: clinical testing. Allele origin: germline.

Labcorp Genetics (formerly Invitae), Labcorp
Classification: Uncertain significance. Last evaluated: 2025-02-24. Review status: criteria provided, single submitter. Criteria: Invitae Variant Classification Sherloc (09022015). Collection method: clinical testing. Allele origin: germline.
Comment: This sequence change replaces methionine, which is neutral and non-polar, with leucine, which is neutral and non-polar, at codon 478 of the ERCC2 protein (p.Met478Leu). This variant is not present in population databases (gnomAD no frequency). This variant has not been reported in the literature in individuals affected with ERCC2-related conditions. ClinVar contains an entry for this variant (Variation ID: 2103432). Invitae Evidence Modeling of protein sequence and biophysical properties (such as structural, functional, and spatial information, amino acid conservation, physicochemical variation, residue mobility, and thermodynamic stability) indicates that this missense variant is not expected to disrupt ERCC2 protein function with a negative predictive value of 80%. In summary, the available evidence is currently insufficient to determine the role of this variant in disease. Therefore, it has been classified as a Variant of Uncertain Significance.

NM_000400.4(ERCC2):c.1432A>C (p.Met478Leu)

Gene: ERCC2 (ERCC excision repair 2, TFIIH core complex helicase subunit; minus strand). Cytogenetic location: 19q13.32.
Variant type: single nucleotide variant.
Coding change: c.1432A>C on transcript NM_000400.4 (MANE Select); coding-DNA position 1432, A replaced by C.
Protein change: p.Met478Leu; replaces methionine 478 with leucine.
Molecular consequence: missense variant.
Genome position (GRCh38, 1-based): chr19:45,357,317, T>G on the plus strand (A>C on the coding strand, the complement: ERCC2 is on the minus strand). VCF-style: chr19-45357317-T-G. GRCh37 (hg19) VCF-style: chr19-45860575-T-G.
Other names: short protein forms M478L.
Identifiers: ClinVar variation 2103432 (VCV002103432.5), dbSNP rs2514012382, ClinGen allele CA406367098.